The following is an entry in ClinVar:

ClinVar aggregate classification (germline): Uncertain significance (1 of 4 stars; one submission).

gnomAD v4.1: 1 of 1,613,858 alleles (0.000062%); highest among the groups gnomAD compares: Non-Finnish European, 0.000085%; no homozygotes.

Submission:

Labcorp Genetics (formerly Invitae), Labcorp
Classification: Uncertain significance. Last evaluated: 2019-11-30. Review status: criteria provided, single submitter. Criteria: Invitae Variant Classification Sherloc (09022015). Collection method: clinical testing. Allele origin: germline.
Comment: In summary, the available evidence is currently insufficient to determine the role of this variant in disease. Therefore, it has been classified as a Variant of Uncertain Significance. Algorithms developed to predict the effect of missense changes on protein structure and function (SIFT, PolyPhen-2, Align-GVGD) all suggest that this variant is likely to be disruptive, but these predictions have not been confirmed by published functional studies and their clinical significance is uncertain. This variant has not been reported in the literature in individuals with POLE-related conditions. This variant is not present in population databases (ExAC no frequency). This sequence change replaces valine with glycine at codon 1426 of the POLE protein (p.Val1426Gly). The valine residue is highly conserved and there is a moderate physicochemical difference between valine and glycine.

NM_006231.4(POLE):c.4277T>G (p.Val1426Gly)

Gene: POLE (DNA polymerase epsilon, catalytic subunit; minus strand). Cytogenetic location: 12q24.33.
Variant type: single nucleotide variant.
Coding change: c.4277T>G on transcript NM_006231.4 (MANE Select); coding-DNA position 4277, T replaced by G.
Protein change: p.Val1426Gly; replaces valine 1426 with glycine.
Molecular consequence: missense variant.
Genome position (GRCh38, 1-based): chr12:132,643,850, A>C on the plus strand (T>G on the coding strand, the complement: POLE is on the minus strand). VCF-style: chr12-132643850-A-C. GRCh37 (hg19) VCF-style: chr12-133220436-A-C.
Other names: short protein forms V1426G.
Identifiers: ClinVar variation 842162 (VCV000842162.9), dbSNP rs2042212771, ClinGen allele CA387381794.